The following is an entry in ClinVar:

ClinVar aggregate classification (germline): Uncertain significance (1 of 4 stars; one submission).

Conditions:
Fanconi anemia (FA). Also called: Fanconi's anemia. Identifiers: Orphanet 84, MedGen C0015625, MeSH D005199, MONDO:0019391.

Submission:

Labcorp Genetics (formerly Invitae), Labcorp
Classification: Uncertain significance for Fanconi anemia. Last evaluated: 2023-08-16. Review status: criteria provided, single submitter. Criteria: Invitae Variant Classification Sherloc (09022015). Collection method: clinical testing. Allele origin: germline.
Comment: In summary, the available evidence is currently insufficient to determine the role of this variant in disease. Therefore, it has been classified as a Variant of Uncertain Significance. An algorithm developed to predict the effect of missense changes on protein structure and function (PolyPhen-2) suggests that this variant is likely to be disruptive. This variant has not been reported in the literature in individuals affected with SLX4-related conditions. This variant is not present in population databases (gnomAD no frequency). This sequence change replaces proline, which is neutral and non-polar, with glutamine, which is neutral and polar, at codon 664 of the SLX4 protein (p.Pro664Gln).

NM_032444.4(SLX4):c.1991C>A (p.Pro664Gln)

Gene: SLX4 (SLX4 structure-specific endonuclease subunit; minus strand). Cytogenetic location: 16p13.3.
Variant type: single nucleotide variant.
Coding change: c.1991C>A on transcript NM_032444.4 (MANE Select); coding-DNA position 1991, C replaced by A.
Protein change: p.Pro664Gln; replaces proline 664 with glutamine.
Molecular consequence: missense variant.
Genome position (GRCh38, 1-based): chr16:3,595,627, G>T on the plus strand (C>A on the coding strand, the complement: SLX4 is on the minus strand). VCF-style: chr16-3595627-G-T. GRCh37 (hg19) VCF-style: chr16-3645628-G-T.
Other names: short protein forms P664Q.
Identifiers: ClinVar variation 2978806 (VCV002978806.3), dbSNP rs369805557, ClinGen allele CA394526547.